The following is an entry in ClinVar:

NM_007215.4(POLG2):c.1019G>C (p.Gly340Ala)

Genes: POLG2 (DNA polymerase gamma 2, accessory subunit; minus strand), MILR1 (mast cell immunoglobulin like receptor 1; plus strand). Cytogenetic location: 17q23.3.
Variant type: single nucleotide variant.
Coding change: c.1019G>C on transcript NM_007215.4 (MANE Select); coding-DNA position 1019, G replaced by C.
Protein change: p.Gly340Ala; replaces glycine 340 with alanine.
Molecular consequence: missense variant.
Genome position (GRCh38, 1-based): chr17:64,485,819, C>G on the plus strand (G>C on the coding strand, the complement: POLG2 is on the minus strand). VCF-style: chr17-64485819-C-G. GRCh37 (hg19) VCF-style: chr17-62481936-C-G.
Other names: short protein forms G340A.
Identifiers: ClinVar variation 4729116 (VCV004729116.1).

ClinVar aggregate classification (germline): Uncertain significance (1 of 4 stars; one submission).

Submission:

Labcorp Genetics (formerly Invitae), Labcorp
Classification: Uncertain significance. Last evaluated: 2025-10-13. Review status: criteria provided, single submitter. Criteria: Invitae Variant Classification Sherloc (09022015). Collection method: clinical testing. Allele origin: germline.
Comment: This sequence change replaces glycine, which is neutral and non-polar, with alanine, which is neutral and non-polar, at codon 340 of the POLG2 protein (p.Gly340Ala). This variant is not present in population databases (gnomAD no frequency). This variant has not been reported in the literature in individuals affected with POLG2-related conditions. An algorithm developed to predict the effect of missense changes on protein structure and function (PolyPhen-2) suggests that this variant is likely to be disruptive. In summary, the available evidence is currently insufficient to determine the role of this variant in disease. Therefore, it has been classified as a Variant of Uncertain Significance.